The following is an entry in ClinVar:

NM_000827.4(GRIA1):c.2591G>A (p.Gly864Glu)

Gene: GRIA1 (glutamate ionotropic receptor AMPA type subunit 1; plus strand). Cytogenetic location: 5q33.2.
Variant type: single nucleotide variant.
Coding change: c.2591G>A on transcript NM_000827.4 (MANE Select); coding-DNA position 2591, G replaced by A.
Protein change: p.Gly864Glu; replaces glycine 864 with glutamic acid.
Molecular consequence: missense variant. On other transcripts: non-coding transcript variant (2).
Genome position (GRCh38, 1-based): chr5:153,811,095, G>A. VCF-style: chr5-153811095-G-A. GRCh37 (hg19) VCF-style: chr5-153190655-G-A.
Other names: c.2591G>A, p.Gly864Glu (NM_001114183.2); c.2351G>A, p.Gly784Glu (NM_001258019.2); c.2306G>A, p.Gly769Glu (NM_001258020.2); c.2621G>A, p.Gly874Glu (NM_001258021.2, NM_001258022.2); c.2384G>A, p.Gly795Glu (NM_001258023.1, NM_001364167.2); c.2423G>A, p.Gly808Glu (NM_001364165.2); c.2618G>A, p.Gly873Glu (NM_001364166.2); short protein forms G769E, G784E, G795E, G808E, G864E, G873E, G874E.
Identifiers: ClinVar variation 4886711 (VCV004886711.2).
Genomic context (GRCh38, chr5:153,811,095, plus strand): 5'-TGATCCCACAGCAATCCATCAACGAAGCCATACGGACATCGACCCTCCCCCGCAACAGCG[G>A]GGCAGGAGCCAGCAGCGGCGGCAGTGGAGAGAATGGTCGGGTGGTCAGCCATGACTTCCC-3'
Protein context (NP_000818.2, residues 854-874): IRTSTLPRNS[Gly864Glu]AGASSGGSGE

ClinVar aggregate classification (germline): Uncertain significance (1 of 4 stars; one submission).

gnomAD v4.1: 1 of 1,614,098 alleles (0.000062%); highest among the groups gnomAD compares: Non-Finnish European, 0.000085%; no homozygotes.

Submission:

Dasa
Classification: Uncertain significance. Last evaluated: 2026-01-30. Review status: criteria provided, single submitter. Criteria: DASA Assertion Criteria. Collection method: clinical testing. Allele origin: germline.
Comment: NM_000827.4(GRIA1):c.2591G>A (p.Gly864Glu) is a missense variant that results in the substitution of glycine with glutamic acid. This variant is rare in population databases. The currently available literature and clinical evidence are not sufficient to establish a definitive association between this variant and the reported condition. Therefore, this variant is classified as a variant of uncertain significance.